The following is an entry in ClinVar:

ClinVar aggregate classification (germline): Pathogenic. Review status: reviewed by expert panel (3 of 4 stars). 40 submissions from 36 submitters: Pathogenic (1). 39 of the submissions do not count toward it. Last evaluated 2022-03-09.

Conditions:
Inherited prostate cancer.
NICE approved PARP inhibitor treatment.
Inherited breast cancer and ovarian cancer.
ATM-related cancer predisposition. Also called: ATM-related cancer susceptibility. Identifiers: MedGen CN377759, MONDO:0700270.
ATM-related disorder. Also called: ATM-related disorders; ATM-related condition.
Breast and/or ovarian cancer. Identifiers: MedGen CN221562.
Hereditary cancer-predisposing syndrome. Also called: Neoplastic Syndromes, Hereditary; Tumor predisposition; Hereditary Cancer Syndrome; Hereditary neoplastic syndrome. Identifiers: Orphanet 140162, MedGen C0027672, MeSH D009386, MONDO:0015356.
Breast neoplasm. Also called: Neoplasm of the breast; Neoplasm of breast; Breast tumor; Breast Neoplasms. Identifiers: MedGen C1458155, MeSH D001943, MONDO:0021100, HP:0100013. Disease mechanism: gain of function.
Ataxia-telangiectasia syndrome (AT). Also called: Ataxia-telangiectasia, complementation group E; LOUIS-BAR SYNDROME; AT, COMPLEMENTATION GROUP C; Cerebello-oculocutaneous telangiectasia; Immunodeficiency with ataxia telangiectasia; ATAXIA-TELANGIECTASIA, COMPLEMENTATION GROUP A. Identifiers: Orphanet 100, MedGen C0004135, MONDO:0008840, OMIM 208900.
Familial cancer of breast. Also called: Hereditary breast cancer; BREAST CANCER, FAMILIAL; hereditary breast carcinoma. Identifiers: Orphanet 227535, MedGen C0346153, MONDO:0016419, OMIM 114480. Disease mechanism: loss of function.
Ataxia - telangiectasia variant. Identifiers: Orphanet 370109, MedGen C1876175, MONDO:0018266.
T-cell prolymphocytic leukemia. Identifiers: Orphanet 86871, MedGen C2363142, MONDO:0019468.
Breast cancer, susceptibility to. Identifiers: MedGen C3469522. Disease mechanism: gain of function.

Allele frequency attached by ClinVar (database versions not stated): gnomAD exomes 0.00007 and 0.00004; gnomAD 0.00006 and 0.00005; ExAC 0.00003; TOPMed 0.00005.
gnomAD v4.1: 104 of 1,613,824 alleles (0.0064%); highest among the groups gnomAD compares: Non-Finnish European, 0.0083%; no homozygotes.

Submissions 1 to 6 of 40:

ClinGen Hereditary Breast, Ovarian and Pancreatic Cancer Variant Curation Expert Panel, ClinGen
Classification: Pathogenic for ATM-related cancer predisposition. Last evaluated: 2022-03-09. Review status: reviewed by expert panel. Criteria: clingen hbop acmg specifications atm v1-1. Collection method: curation. Allele origin: germline. Inheritance: Autosomal dominant inheritance.
Comment: The ATM c.7271T>G (p.Val2424Gly) variant has a GnomAD (v2.1.1) allele frequency of 0.004124% (NFE) which is above the PM2 threshold of .001% but below the BS1 threshold of .05%. This variant is predicted deleterious by multiple protein in silico tools (PP3). This variant is non-functional in multiple different protein assays (PMIDs:19431188,18634022) (PS3_Moderate). The prevalence of the variant in affected individuals is significantly increased compared to the prevalence in controls in a case control study with lower CI ≥1.5 (PMIDs: 16958054, 21787400) (PS4). This variant has been observed in a homozygous and/or compound heterozygous state (presumed and/or confirmed) in multiple individuals with ataxia-telangiectasia (GeneDx, PMIDs: 9463314, 18575927, 27528516) (>8 points - PM3_Very strong). This variant co-segregated with ataxia-telangiectasia in multiple affected family members (PMID: 18575927) (PP1). In summary, this variant meets criteria to be classified as pathogenic based on the ACMG/AMP criteria applied as specified by the HBOP Variant Curation Expert Panel.

Genetics Laboratory, Great Ormond Street Hospital NHS Foundation Trust, North Thames Genomic Laboratory Hub
Classification: Pathogenic for Inherited prostate cancer. Last evaluated: 2026-08-24. Review status: criteria provided, single submitter. Criteria: CanVIG ATM Gene Specific V1.2. Collection method: clinical testing. Allele origin: germline. Affected: yes. Not counted in ClinVar's aggregate classification.
Comment: PS4_strong, PP3_supporting, PS3_moderate, PP1_supporting, PM3_very-strong

Genetics Laboratory, Great Ormond Street Hospital NHS Foundation Trust, North Thames Genomic Laboratory Hub
Classification: Pathogenic for Inherited breast cancer and ovarian cancer. Last evaluated: 2026-08-24. Review status: criteria provided, single submitter. Criteria: CanVIG ATM Gene Specific V1.2. Collection method: clinical testing. Allele origin: germline. Affected: yes. Not counted in ClinVar's aggregate classification.
Comment: the same text as in the submission from Genetics Laboratory, Great Ormond Street Hospital NHS Foundation Trust, North Thames Genomic Laboratory Hub above.

Women's Health and Genetics/Laboratory Corporation of America, LabCorp
Classification: Pathogenic for Ataxia-telangiectasia syndrome. Last evaluated: 2026-02-26. Review status: criteria provided, single submitter. Criteria: LabCorp Variant Classification Summary - May 2015. Collection method: clinical testing. Allele origin: germline. Not counted in ClinVar's aggregate classification.
Comment: Variant summary: ATM c.7271T>G (p.Val2424Gly) results in a non-conservative amino acid change in the encoded protein sequence. Algorithms developed to predict the effect of missense changes on protein structure and function all suggest that this variant is likely to be disruptive. The variant allele was found at a frequency of 3.9e-05 in 253530 control chromosomes. This frequency is not significantly higher than estimated for disease-causing variants in ATM, allowing no conclusion about variant significance. c.7271T>G has been observed in multiple individuals affected with Ataxia-telangiectasia syndrome (e.g. McConville_1996, Simonin_2008, Stankovic_1998). These data indicate that the variant is very likely to be associated with disease. At least one publication reports experimental evidence evaluating an impact on protein function (Barone_2009, Mitui_2009, Stewart_2001). The most pronounced variant effect results in <10% of normal activity. The following publications have been ascertained in the context of this evaluation (PMID: 25980754, 19431188, 18634022, 21787400, 16958054, 9463314, 24733792, 26506520, 18575927, 8755918, 11382771). ClinVar contains an entry for this variant (Variation ID: 3023). Based on the evidence outlined above, the variant was classified as pathogenic.

Labcorp Genetics (formerly Invitae), Labcorp
Classification: Pathogenic for Ataxia-telangiectasia syndrome. Last evaluated: 2026-02-02. Review status: criteria provided, single submitter. Criteria: Invitae Variant Classification Sherloc (09022015). Collection method: clinical testing. Allele origin: germline. Not counted in ClinVar's aggregate classification.
Comment: This sequence change replaces valine, which is neutral and non-polar, with glycine, which is neutral and non-polar, at codon 2424 of the ATM protein (p.Val2424Gly). This variant is present in population databases (rs28904921, gnomAD 0.01%). This missense change has been observed in individual(s) with gastric cancer, breast cancer, autosomal recessive ataxia-telangiectasia (PMID: 8755918, 9463314, 11830610, 16958054, 18575927, 19781682, 21787400, 24733792, 26506520). It has also been observed to segregate with disease in related individuals. ClinVar contains an entry for this variant (Variation ID: 3023). Invitae Evidence Modeling of protein sequence and biophysical properties (such as structural, functional, and spatial information, amino acid conservation, physicochemical variation, residue mobility, and thermodynamic stability) has been performed for this missense variant. However, the output from this modeling did not meet the statistical confidence thresholds required to predict the impact of this variant on ATM protein function. Experimental studies have shown that this missense change affects ATM function (PMID: 11382771, 11830610, 18634022, 19431188). RNA analysis performed to evaluate the impact of this missense change on mRNA splicing indicates it does not significantly alter splicing (internal data). For these reasons, this variant has been classified as Pathogenic.

PreventionGenetics, part of Exact Sciences
Classification: Pathogenic for ATM-related condition. Last evaluated: 2026-01-22. Review status: criteria provided, single submitter. Criteria: ACMG Guidelines, 2015. Collection method: clinical testing. Allele origin: germline. Not counted in ClinVar's aggregate classification.
Comment: The ATM c.7271T>G variant is predicted to result in the amino acid substitution p.Val2424Gly. This variant has been reported in individuals with ataxia telangiectasia (Stankovic et al. 1998. PubMed ID: 9463314; McConville et al. 1996. PubMed ID: 8755918), in multiple individuals with breast cancer (see for example - Bernstein et al. 2006. PubMed ID: 16958054; Goldgar et al. 2011. PubMed ID: 21787400), and in one individual with gastric cancer (Huang et al. 2015. PubMed ID: 26506520). This variant is reported in 0.0085% of alleles in individuals of European (non-Finnish) descent in gnomAD and has been consistently classified as pathogenic by several submitters in the ClinVar database, including the ClinGen Hereditary Breast, Ovarian and Pancreatic Cancer Variant Curation Expert Panel (Variation ID: 3023). This variant is interpreted as pathogenic.

NM_000051.4(ATM):c.7271T>G (p.Val2424Gly)

Genes: ATM (ATM serine/threonine kinase; plus strand), C11orf65 (chromosome 11 open reading frame 65; minus strand). Cytogenetic location: 11q22.3.
Variant type: single nucleotide variant.
Coding change: c.7271T>G on transcript NM_000051.4 (MANE Select); coding-DNA position 7271, T replaced by G.
Protein change: p.Val2424Gly; replaces valine 2424 with glycine.
Molecular consequence: missense variant. On other transcripts: intron variant (2).
Genome position (GRCh38, 1-based): chr11:108,329,202, T>G. VCF-style: chr11-108329202-T-G. GRCh37 (hg19) VCF-style: chr11-108199929-T-G.
Other names: p.V2424G:GTA>GGA; NM_000051.3(ATM):c.7271T>G; NM_000051.4(ATM):c.7271T>G; c.7271T>G, p.Val2424Gly (NM_001351834.2); c.641-20131A>C (NM_001330368.2); c.*38+6018A>C (NM_001351110.2); short protein forms V2424G.
Identifiers: ClinVar variation 3023 (VCV000003023.87), dbSNP rs28904921, ClinGen allele CA115930.